The following is an entry in ClinVar:

NM_001242957.3(MAK):c.1184G>A (p.Arg395His)

Gene: MAK (male germ cell associated kinase; minus strand). Cytogenetic location: 6p24.2.
Variant type: single nucleotide variant.
Coding change: c.1184G>A on transcript NM_001242957.3 (MANE Select); coding-DNA position 1184, G replaced by A.
Protein change: p.Arg395His; replaces arginine 395 with histidine.
Molecular consequence: missense variant. On other transcripts: non-coding transcript variant (2).
Genome position (GRCh38, 1-based): chr6:10,791,807, C>T on the plus strand (G>A on the coding strand, the complement: MAK is on the minus strand). VCF-style: chr6-10791807-C-T. GRCh37 (hg19) VCF-style: chr6-10792040-C-T.
Other names: c.1184G>A, p.Arg395His (NM_001242385.2, NM_005906.6); c.1082G>A, p.Arg361His (NM_001377262.1); short protein forms R361H, R395H.
Identifiers: ClinVar variation 962847 (VCV000962847.6), dbSNP rs62000445, ClinGen allele CA3633520.

ClinVar aggregate classification (germline): Uncertain significance. Review status: criteria provided, multiple submitters, no conflicts (2 of 4 stars). 2 submissions from 2 submitters: Uncertain significance (2). Last evaluated 2022-10-17.

Allele frequency attached by ClinVar (database versions not stated): TOPMed 0.00004.
gnomAD v4.1: 42 of 1,614,034 alleles (0.0026%); highest among the groups gnomAD compares: Admixed American, 0.0083%; no homozygotes.

Submissions (2):

Labcorp Genetics (formerly Invitae), Labcorp
Classification: Uncertain significance. Last evaluated: 2022-10-17. Review status: criteria provided, single submitter. Criteria: Invitae Variant Classification Sherloc (09022015). Collection method: clinical testing. Allele origin: germline.
Comment: This sequence change replaces arginine, which is basic and polar, with histidine, which is basic and polar, at codon 395 of the MAK protein (p.Arg395His). This variant is present in population databases (rs62000445, gnomAD 0.009%). This variant has not been reported in the literature in individuals affected with MAK-related conditions. ClinVar contains an entry for this variant (Variation ID: 962847). Advanced modeling of protein sequence and biophysical properties (such as structural, functional, and spatial information, amino acid conservation, physicochemical variation, residue mobility, and thermodynamic stability) performed at Invitae indicates that this missense variant is not expected to disrupt MAK protein function. In summary, the available evidence is currently insufficient to determine the role of this variant in disease. Therefore, it has been classified as a Variant of Uncertain Significance.

Blueprint Genetics
Classification: Uncertain significance. Last evaluated: 2021-09-17. Review status: criteria provided, single submitter. Criteria: ACMG Guidelines, 2015. Collection method: clinical testing. Allele origin: germline.